The following is an entry in ClinVar:

NM_001042681.2(RERE):c.788T>C (p.Val263Ala)

Gene: RERE (arginine-glutamic acid dipeptide repeats; minus strand). Cytogenetic location: 1p36.23.
Variant type: single nucleotide variant.
Coding change: c.788T>C on transcript NM_001042681.2 (MANE Select); coding-DNA position 788, T replaced by C.
Protein change: p.Val263Ala; replaces valine 263 with alanine.
Molecular consequence: missense variant.
Genome position (GRCh38, 1-based): chr1:8,541,256, A>G on the plus strand (T>C on the coding strand, the complement: RERE is on the minus strand). VCF-style: chr1-8541256-A-G. GRCh37 (hg19) VCF-style: chr1-8601315-A-G.
Other names: c.788T>C, p.Val263Ala (NM_012102.4); short protein forms V263A.
Identifiers: ClinVar variation 3371647 (VCV003371647.1).

ClinVar aggregate classification (germline): Uncertain significance (1 of 4 stars; one submission).

Submission:

GeneDx
Classification: Uncertain significance. Last evaluated: 2024-03-28. Review status: criteria provided, single submitter. Criteria: GeneDx Variant Classification Process June 2021. Collection method: clinical testing. Allele origin: germline. Affected: yes.
Comment: Not observed at significant frequency in large population cohorts (gnomAD); In silico analysis supports that this missense variant does not alter protein structure/function; Has not been previously published as pathogenic or benign to our knowledge